The following is an entry in ClinVar:

ClinVar aggregate classification (germline): Likely benign (0 of 4 stars; one submission).

Conditions:
SEMA3A-related disorder. Also called: SEMA3A-related condition.

Allele frequency attached by ClinVar (database versions not stated): gnomAD 0.00001; gnomAD exomes 0.00001; TOPMed 0.00001.
gnomAD v4.1: 9 of 1,613,484 alleles (0.00056%); highest among the groups gnomAD compares: Non-Finnish European, 0.00076%; no homozygotes.

Submission:

PreventionGenetics, part of Exact Sciences
Classification: Likely benign for SEMA3A-related condition. Last evaluated: 2023-05-04. Review status: no assertion criteria provided. Collection method: clinical testing. Allele origin: germline.
Comment: This variant is classified as likely benign based on ACMG/AMP sequence variant interpretation guidelines (Richards et al. 2015 PMID: 25741868, with internal and published modifications).

NM_006080.3(SEMA3A):c.1752C>T (p.Ile584=)

Gene: SEMA3A (semaphorin 3A; minus strand). Cytogenetic location: 7q21.11.
Variant type: single nucleotide variant.
Coding change: c.1752C>T on transcript NM_006080.3 (MANE Select); coding-DNA position 1752, C replaced by T.
Protein change: p.Ile584=; no amino-acid change (isoleucine 584 retained).
Molecular consequence: synonymous variant.
Genome position (GRCh38, 1-based): chr7:83,963,313, G>A on the plus strand (C>T on the coding strand, the complement: SEMA3A is on the minus strand). VCF-style: chr7-83963313-G-A. GRCh37 (hg19) VCF-style: chr7-83592629-G-A.
Identifiers: ClinVar variation 3051506 (VCV003051506.2), dbSNP rs892954382, ClinGen allele CA161169848.